The following is an entry in ClinVar:

NM_006904.7(PRKDC):c.61G>T (p.Ala21Ser)

Genes: PRKDC (protein kinase, DNA-activated, catalytic subunit; minus strand), LOC129929030 (ATAC-STARR-seq lymphoblastoid silent region 19177; plus strand). Cytogenetic location: 8q11.21.
Variant type: single nucleotide variant.
Coding change: c.61G>T on transcript NM_006904.7 (MANE Select); coding-DNA position 61, G replaced by T.
Protein change: p.Ala21Ser; replaces alanine 21 with serine.
Molecular consequence: missense variant.
Genome position (GRCh38, 1-based): chr8:47,960,066, C>A on the plus strand (G>T on the coding strand, the complement: PRKDC is on the minus strand). VCF-style: chr8-47960066-C-A. GRCh37 (hg19) VCF-style: chr8-48872626-C-A.
Other names: c.61G>T, p.Ala21Ser (NM_001081640.2); short protein forms A21S.
Identifiers: ClinVar variation 3425246 (VCV003425246.1).

ClinVar aggregate classification (germline): Uncertain significance (1 of 4 stars; one submission).

Submission:

Ambry Genetics
Classification: Uncertain significance. Last evaluated: 2024-06-30. Review status: criteria provided, single submitter. Criteria: Ambry Variant Classification Scheme 2023. Collection method: clinical testing. Allele origin: germline.
Comment: The p.A21S variant (also known as c.61G>T), located in coding exon 1 of the PRKDC gene, results from a G to T substitution at nucleotide position 61. The alanine at codon 21 is replaced by serine, an amino acid with similar properties. This amino acid position is conserved. In addition, this alteration is predicted to be tolerated by in silico analysis. Based on the available evidence, the clinical significance of this variant remains unclear.